The following is an entry in ClinVar:

ClinVar aggregate classification (germline): Likely pathogenic (1 of 4 stars; one submission).

Conditions:
Epilepsy. Also called: Seizure disorder. Identifiers: MedGen C0014544, MeSH D004827, MONDO:0005027.

Allele frequency attached by ClinVar (database versions not stated): gnomAD exomes below 0.00001.
gnomAD v4.1: 6 of 1,595,144 alleles (0.00038%); highest among the groups gnomAD compares: South Asian, 0.0011%; no homozygotes.

Submission:

Labcorp Genetics (formerly Invitae), Labcorp
Classification: Likely pathogenic for Epilepsy. Last evaluated: 2023-02-02. Review status: criteria provided, single submitter. Criteria: Invitae Variant Classification Sherloc (09022015). Collection method: clinical testing. Allele origin: germline.
Comment: This sequence change affects a donor splice site in intron 9 of the PIGQ gene. It is expected to disrupt RNA splicing. Variants that disrupt the donor or acceptor splice site typically lead to a loss of protein function (PMID: 16199547), and loss-of-function variants in PIGQ are known to be pathogenic (PMID: 24463883, 25558065). This variant is present in population databases (no rsID available, gnomAD 0.0009%). This variant has not been reported in the literature in individuals affected with PIGQ-related conditions. Algorithms developed to predict the effect of sequence changes on RNA splicing suggest that this variant may disrupt the consensus splice site. In summary, the currently available evidence indicates that the variant is pathogenic, but additional data are needed to prove that conclusively. Therefore, this variant has been classified as Likely Pathogenic.

Literature cited by the submitters: PubMed 16199547; PubMed 24463883; PubMed 25558065.

NM_004204.5(PIGQ):c.1531+1G>A

Gene: PIGQ (phosphatidylinositol glycan anchor biosynthesis class Q; plus strand). Cytogenetic location: 16p13.3.
Variant type: single nucleotide variant.
Coding change: c.1531+1G>A on transcript NM_004204.5 (MANE Select); the canonical splice donor site of the intron after coding-DNA position 1531, G replaced by A.
Molecular consequence: splice donor variant.
Genome position (GRCh38, 1-based): chr16:580,973, G>A. VCF-style: chr16-580973-G-A. GRCh37 (hg19) VCF-style: chr16-630973-G-A.
Other names: c.1531+1G>A (NM_148920.4).
Identifiers: ClinVar variation 2741890 (VCV002741890.3), dbSNP rs1300851687, ClinGen allele CA394059494.